The following is an entry in ClinVar:

NM_006516.4(SLC2A1):c.1157T>G (p.Ile386Ser)

Gene: SLC2A1 (solute carrier family 2 member 1; minus strand). Cytogenetic location: 1p34.2.
Variant type: single nucleotide variant.
Coding change: c.1157T>G on transcript NM_006516.4 (MANE Select); coding-DNA position 1157, T replaced by G.
Protein change: p.Ile386Ser; replaces isoleucine 386 with serine.
Molecular consequence: missense variant.
Genome position (GRCh38, 1-based): chr1:42,927,726, A>C on the plus strand (T>G on the coding strand, the complement: SLC2A1 is on the minus strand). VCF-style: chr1-42927726-A-C. GRCh37 (hg19) VCF-style: chr1-43393397-A-C.
Other names: short protein forms I386S.
Identifiers: ClinVar variation 207211 (VCV000207211.9), dbSNP rs796053262, ClinGen allele CA318467.
Genomic context (GRCh38, chr1:42,927,726, plus strand): 5'-ACGGCAATGGCAGCTGGACGTGGACCCTGGCTGAAGAGTTCAGCCACGATGAACCATGGG[A>C]TGGGGCCAGGACCCACTTCAAAGAAGGCCACAAAGCCAAAGATGGCCACGATGCTCAGAT-3'
Protein context (NP_006507.2, residues 376-396): VAFFEVGPGP[Ile386Ser]PWFIVAELFS

ClinVar aggregate classification (germline): Uncertain significance (1 of 4 stars; one submission).

Conditions:
GLUT1 deficiency syndrome 1, autosomal recessive. Identifiers: MedGen C3149117.

Submission:

Labcorp Genetics (formerly Invitae), Labcorp
Classification: Uncertain significance for GLUT1 deficiency syndrome 1, autosomal recessive. Last evaluated: 2020-02-07. Review status: criteria provided, single submitter. Criteria: Invitae Variant Classification Sherloc (09022015). Collection method: clinical testing. Allele origin: germline.
Comment: In summary, the available evidence is currently insufficient to determine the role of this variant in disease. Therefore, it has been classified as a Variant of Uncertain Significance. Algorithms developed to predict the effect of sequence changes on RNA splicing suggest that this variant may create or strengthen a splice site, but this prediction has not been confirmed by published transcriptional studies. Algorithms developed to predict the effect of missense changes on protein structure and function are either unavailable or do not agree on the potential impact of this missense change (SIFT: "Deleterious"; PolyPhen-2: "Probably Damaging"; Align-GVGD: "Class C0"). This variant has been observed in individual(s) with epilepsy and/or neurodevelopmental disorders (PMID: 29655203). This variant is not present in population databases (ExAC no frequency). This sequence change replaces isoleucine with serine at codon 386 of the SLC2A1 protein (p.Ile386Ser). The isoleucine residue is moderately conserved and there is a large physicochemical difference between isoleucine and serine.

Literature cited by the submitters: PubMed 29655203.